The following is an entry in ClinVar:

NM_130837.3(OPA1):c.1407_1410del (p.Glu471fs)

Gene: OPA1 (OPA1 mitochondrial dynamin like GTPase; plus strand). Cytogenetic location: 3q29.
Variant type: Deletion.
Coding change: c.1407_1410del on transcript NM_130837.3 (MANE Select); coding-DNA positions 1407 to 1410, 4 bases deleted (AAAG; older notation c.1407_1410delAAAG).
Protein change: p.Glu471fs; shifts the reading frame from glutamic acid 471.
Molecular consequence: frameshift variant.
Genome position (GRCh38, 1-based): chr3:193,643,557-193,643,560, AAAG deleted. VCF-style (leftmost placement, unchanged base first): chr3-193643556-CAAAG-C. GRCh37 (hg19) VCF-style: chr3-193361345-CAAAG-C.
Other names: c.873_876del, p.Glu293fs (NM_001354663.2); c.870_873del, p.Glu292fs (NM_001354664.2); c.1242_1245delAAAG, p.Glu416Leufs (NM_015560.2); c.1242_1245del, p.Glu416fs (NM_015560.3); c.1134_1137del, p.Glu380fs (NM_130831.3); c.1188_1191del, p.Glu398fs (NM_130832.3); c.1245_1248del, p.Glu417fs (NM_130833.3); c.1296_1299del, p.Glu434fs (NM_130834.3); and 2 more; short protein forms E292fs, E453fs, E471fs, E380fs, E398fs, E417fs, E435fs, E293fs.
Identifiers: ClinVar variation 3571889 (VCV003571889.1).

ClinVar aggregate classification (germline): Pathogenic (1 of 4 stars; one submission).

Submission:

Athena Diagnostics
Classification: Pathogenic. Last evaluated: 2024-04-26. Review status: criteria provided, single submitter. Criteria: Athena Diagnostics Criteria. Collection method: clinical testing. Allele origin: unknown.
Comment: This variant is expected to result in the loss of a functional protein. This variant has not been reported in large, multi-ethnic general populations. This variant has been identified in at least one individual tested at Athena Diagnostics with clinical features associated with this gene.